The following is an entry in ClinVar:

ClinVar aggregate classification (germline): Benign/Likely benign. Review status: criteria provided, multiple submitters, no conflicts (2 of 4 stars). 4 submissions from 4 submitters: Benign (1); Likely benign (3). Last evaluated 2025-12-19.

Conditions:
Charcot-Marie-Tooth disease axonal type 2S. Also called: CHARCOT-MARIE-TOOTH DISEASE, AXONAL, AUTOSOMAL RECESSIVE, TYPE 2S; CHARCOT-MARIE-TOOTH NEUROPATHY, TYPE 2S. Identifiers: Orphanet 443073, MedGen C4015349, MONDO:0014511, OMIM 616155.
Autosomal recessive distal spinal muscular atrophy 1. Also called: NEURONOPATHY, DISTAL HEREDITARY MOTOR, HARDING TYPE VI; NEUROPATHY, DISTAL HEREDITARY MOTOR, AUTOSOMAL RECESSIVE 1; Spinal muscular atrophy with respiratory distress 1; NEURONOPATHY, SEVERE INFANTILE AXONAL, WITH RESPIRATORY FAILURE; SEVERE INFANTILE AXONAL NEUROPATHY WITH RESPIRATORY FAILURE; SPINAL MUSCULAR ATROPHY, DIAPHRAGMATIC. Identifiers: Orphanet 98920, MedGen C1858517, MONDO:0011436, OMIM 604320.
IGHMBP2-related disorder. Also called: IGHMBP2-related disorders; IGHMBP2-related condition.
Inborn genetic diseases. Identifiers: MedGen C0950123, MeSH D030342.

Allele frequency attached by ClinVar (database versions not stated): gnomAD 0.00004 and 0.00012; TOPMed 0.00013; 1000 Genomes Project 0.00020; gnomAD exomes 0.00028 and 0.00032; 1000 Genomes Project 30x 0.00031; ExAC 0.00041.
gnomAD v4.1: 476 of 1,613,562 alleles (0.029%); highest among the groups gnomAD compares: East Asian, 1%; 11 homozygotes.

Submissions (4):

Labcorp Genetics (formerly Invitae), Labcorp
Classification: Benign for Autosomal recessive distal spinal muscular atrophy 1; Charcot-Marie-Tooth disease axonal type 2S. Last evaluated: 2025-12-19. Review status: criteria provided, single submitter. Criteria: Invitae Variant Classification Sherloc (09022015). Collection method: clinical testing. Allele origin: germline.

PreventionGenetics, part of Exact Sciences
Classification: Likely benign for IGHMBP2-related condition. Last evaluated: 2025-04-30. Review status: criteria provided, single submitter. Criteria: ACMG Guidelines, 2015. Collection method: clinical testing. Allele origin: germline.
Comment: This variant is classified as likely benign based on ACMG/AMP sequence variant interpretation guidelines (Richards et al. 2015 PMID: 25741868, with internal and published modifications).

Ambry Genetics
Classification: Likely benign for Inborn genetic diseases. Last evaluated: 2019-07-11. Review status: criteria provided, single submitter. Criteria: Ambry Variant Classification Scheme 2023. Collection method: clinical testing. Allele origin: germline.

Illumina Laboratory Services, Illumina
Classification: Likely benign for Autosomal recessive distal spinal muscular atrophy 1. Last evaluated: 2018-01-12. Review status: criteria provided, single submitter. Criteria: ICSL Variant Classification Criteria 13 December 2019. Collection method: clinical testing. Allele origin: germline.
Comment: This variant was observed in the ICSL laboratory as part of a predisposition screen in an ostensibly healthy population. It had not been previously curated by ICSL or reported in the Human Gene Mutation Database (HGMD: prior to June 1st, 2018), and was therefore a candidate for classification through an automated scoring system. Utilizing variant allele frequency, disease prevalence and penetrance estimates, and inheritance mode, an automated score was calculated to assess if this variant is too frequent to cause the disease. Based on the score and internal cut-off values, a variant classified as likely benign is not then subjected to further curation. The score for this variant resulted in a classification of likely benign for this disease.

NM_002180.3(IGHMBP2):c.2883G>A (p.Leu961=)

Gene: IGHMBP2 (immunoglobulin mu DNA binding protein 2; plus strand). Cytogenetic location: 11q13.3.
Variant type: single nucleotide variant.
Coding change: c.2883G>A on transcript NM_002180.3 (MANE Select); coding-DNA position 2883, G replaced by A.
Protein change: p.Leu961=; no amino-acid change (leucine 961 retained).
Molecular consequence: synonymous variant.
Genome position (GRCh38, 1-based): chr11:68,939,632, G>A. VCF-style: chr11-68939632-G-A. GRCh37 (hg19) VCF-style: chr11-68707100-G-A.
Identifiers: ClinVar variation 305864 (VCV000305864.18), dbSNP rs3750977, ClinGen allele CA6154055.
Genomic context (GRCh38, chr11:68,939,632, plus strand): 5'-GCAGAGAATCAGCCGGGAAGGGGTCCTCTATGCCGGCAGCGGGACCAAGAACGGATCCCT[G>A]GACCCAGCCAAGAGGGCCCAGCTGCAGAGGAGGCTGGATAAGAAGCTGAGTGAGCTCAGC-3'
Protein context (NP_002171.2, residues 951-971): YAGSGTKNGS[Leu961=]DPAKRAQLQR